The following is an entry in ClinVar:

NM_004380.3(CREBBP):c.669A>G (p.Gly223=)

Gene: CREBBP (CREB binding lysine acetyltransferase; minus strand). Cytogenetic location: 16p13.3.
Variant type: single nucleotide variant.
Coding change: c.669A>G on transcript NM_004380.3 (MANE Select); coding-DNA position 669, A replaced by G.
Protein change: p.Gly223=; no amino-acid change (glycine 223 retained).
Molecular consequence: synonymous variant.
Genome position (GRCh38, 1-based): chr16:3,850,426, T>C on the plus strand (A>G on the coding strand, the complement: CREBBP is on the minus strand). VCF-style: chr16-3850426-T-C. GRCh37 (hg19) VCF-style: chr16-3900427-T-C.
Other names: c.669A>G, p.Gly223= (NM_001079846.1).
Identifiers: ClinVar variation 3032374 (VCV003032374.2), dbSNP rs2548544364, ClinGen allele CA493276550.

ClinVar aggregate classification (germline): Likely benign (0 of 4 stars; one submission).

Conditions:
CREBBP-related disorder. Also called: CREBBP-related condition; CREBBP-related disorders.

Submission:

PreventionGenetics, part of Exact Sciences
Classification: Likely benign for CREBBP-related condition. Last evaluated: 2021-06-07. Review status: no assertion criteria provided. Collection method: clinical testing. Allele origin: germline.
Comment: This variant is classified as likely benign based on ACMG/AMP sequence variant interpretation guidelines (Richards et al. 2015 PMID: 25741868, with internal and published modifications).